The following is an entry in ClinVar:

ClinVar aggregate classification (germline): Uncertain significance (1 of 4 stars; one submission).

Conditions:
Candidiasis, familial, 9 (CANDF9). Identifiers: MedGen C4225324, MONDO:0014642, OMIM 616445, Orphanet 1334.

Allele frequency attached by ClinVar (database versions not stated): gnomAD exomes 0.00001.
gnomAD v4.1: 4 of 1,553,438 alleles (0.00026%); highest among the groups gnomAD compares: East Asian, 0.009%; no homozygotes.

Submission:

Labcorp Genetics (formerly Invitae), Labcorp
Classification: Uncertain significance for Candidiasis, familial, 9. Last evaluated: 2021-11-18. Review status: criteria provided, single submitter. Criteria: Invitae Variant Classification Sherloc (09022015). Collection method: clinical testing. Allele origin: germline.
Comment: This sequence change replaces alanine, which is neutral and non-polar, with aspartic acid, which is acidic and polar, at codon 616 of the IL17RC protein (p.Ala616Asp). This variant is not present in population databases (gnomAD no frequency). This variant has not been reported in the literature in individuals affected with IL17RC-related conditions. Algorithms developed to predict the effect of missense changes on protein structure and function are either unavailable or do not agree on the potential impact of this missense change (SIFT: "Deleterious"; PolyPhen-2: "Probably Damaging"; Align-GVGD: "Class C0"). In summary, the available evidence is currently insufficient to determine the role of this variant in disease. Therefore, it has been classified as a Variant of Uncertain Significance.

NM_153460.4(IL17RC):c.1634C>A (p.Ala545Asp)

Gene: IL17RC (interleukin 17 receptor C; plus strand). Cytogenetic location: 3p25.3.
Variant type: single nucleotide variant.
Coding change: c.1634C>A on transcript NM_153460.4 (MANE Select); coding-DNA position 1634, C replaced by A.
Protein change: p.Ala545Asp; replaces alanine 545 with aspartic acid.
Molecular consequence: missense variant. On other transcripts: non-coding transcript variant (1).
Genome position (GRCh38, 1-based): chr3:9,933,064, C>A. VCF-style: chr3-9933064-C-A. GRCh37 (hg19) VCF-style: chr3-9974748-C-A.
Other names: c.1595C>A, p.Ala532Asp (NM_001203263.2); c.1544C>A, p.Ala515Asp (NM_001203264.2); c.1538C>A, p.Ala513Asp (NM_001203265.2); c.1556C>A, p.Ala519Asp (NM_001367278.1); c.1475C>A, p.Ala492Asp (NM_001367279.1); c.1550C>A, p.Ala517Asp (NM_001367280.1); c.1589C>A, p.Ala530Asp (NM_032732.6); c.1847C>A, p.Ala616Asp (NM_153461.4); short protein forms A519D, A515D, A616D, A492D, A517D, A513D, A530D, A532D.
Identifiers: ClinVar variation 1352281 (VCV001352281.6), dbSNP rs1358856388, ClinGen allele CA351705067.